The following is an entry in ClinVar:

ClinVar aggregate classification (germline): Uncertain significance (1 of 4 stars; one submission).

gnomAD v4.1: 4 of 1,614,146 alleles (0.00025%); highest among the groups gnomAD compares: Non-Finnish European, 0.00034%; no homozygotes.

Submission:

Labcorp Genetics (formerly Invitae), Labcorp
Classification: Uncertain significance. Last evaluated: 2025-06-30. Review status: criteria provided, single submitter. Criteria: Invitae Variant Classification Sherloc (09022015). Collection method: clinical testing. Allele origin: germline.
Comment: This sequence change replaces arginine, which is basic and polar, with tryptophan, which is neutral and slightly polar, at codon 272 of the TBX6 protein (p.Arg272Trp). This variant is present in population databases (no rsID available, gnomAD 0.002%). This variant has not been reported in the literature in individuals affected with TBX6-related conditions. Invitae Evidence Modeling of protein sequence and biophysical properties (such as structural, functional, and spatial information, amino acid conservation, physicochemical variation, residue mobility, and thermodynamic stability) indicates that this missense variant is expected to disrupt TBX6 protein function with a positive predictive value of 80%. In summary, the available evidence is currently insufficient to determine the role of this variant in disease. Therefore, it has been classified as a Variant of Uncertain Significance.

NM_004608.4(TBX6):c.814C>T (p.Arg272Trp)

Gene: TBX6 (T-box transcription factor 6; minus strand). Cytogenetic location: 16p11.2.
Variant type: single nucleotide variant.
Coding change: c.814C>T on transcript NM_004608.4 (MANE Select); coding-DNA position 814, C replaced by T.
Protein change: p.Arg272Trp; replaces arginine 272 with tryptophan.
Molecular consequence: missense variant.
Genome position (GRCh38, 1-based): chr16:30,088,570, G>A on the plus strand (C>T on the coding strand, the complement: TBX6 is on the minus strand). VCF-style: chr16-30088570-G-A. GRCh37 (hg19) VCF-style: chr16-30099891-G-A.
Other names: short protein forms R272W.
Identifiers: ClinVar variation 4762473 (VCV004762473.1).